The following is an entry in ClinVar:

NM_001015880.2(PAPSS2):c.194A>G (p.Tyr65Cys)

Gene: PAPSS2 (3'-phosphoadenosine 5'-phosphosulfate synthase 2; plus strand). Cytogenetic location: 10q23.31.
Variant type: single nucleotide variant.
Coding change: c.194A>G on transcript NM_001015880.2 (MANE Select); coding-DNA position 194, A replaced by G.
Protein change: p.Tyr65Cys; replaces tyrosine 65 with cysteine.
Molecular consequence: missense variant.
Genome position (GRCh38, 1-based): chr10:87,713,123, A>G. VCF-style: chr10-87713123-A-G. GRCh37 (hg19) VCF-style: chr10-89472880-A-G.
Other names: c.194A>G, p.Tyr65Cys (NM_004670.4); short protein forms Y65C.
Identifiers: ClinVar variation 1061462 (VCV001061462.7), dbSNP rs145923739, ClinGen allele CA5589379.

ClinVar aggregate classification (germline): Uncertain significance (1 of 4 stars; one submission).

Conditions:
Spondyloepimetaphyseal dysplasia, PAPSS2 type. Also called: SPONDYLODYSPLASIA AND PREMATURE PUBARCHE; BRACHYOLMIA TYPE 4 WITH MILD EPIPHYSEAL AND METAPHYSEAL CHANGES; SEMD, PAKISTANI TYPE. Identifiers: Orphanet 93282, MedGen C2748516, MONDO:0019666, OMIM 612847.

Allele frequency attached by ClinVar (database versions not stated): gnomAD 0.00030 and 0.00039; TOPMed 0.00031; gnomAD exomes 0.00046; ExAC 0.00054.
gnomAD v4.1: 528 of 1,613,426 alleles (0.033%); highest among the groups gnomAD compares: Non-Finnish European, 0.039%; 2 homozygotes.

Submission:

Labcorp Genetics (formerly Invitae), Labcorp
Classification: Uncertain significance for Spondyloepimetaphyseal dysplasia, PAPSS2 type. Last evaluated: 2022-02-04. Review status: criteria provided, single submitter. Criteria: Invitae Variant Classification Sherloc (09022015). Collection method: clinical testing. Allele origin: germline.
Comment: This sequence change replaces tyrosine, which is neutral and polar, with cysteine, which is neutral and slightly polar, at codon 65 of the PAPSS2 protein (p.Tyr65Cys). This variant is present in population databases (rs145923739, gnomAD 0.07%). This variant has not been reported in the literature in individuals affected with PAPSS2-related conditions. ClinVar contains an entry for this variant (Variation ID: 1061462). Algorithms developed to predict the effect of missense changes on protein structure and function are either unavailable or do not agree on the potential impact of this missense change (SIFT: "Deleterious"; PolyPhen-2: "Possibly Damaging"; Align-GVGD: "Class C0"). In summary, the available evidence is currently insufficient to determine the role of this variant in disease. Therefore, it has been classified as a Variant of Uncertain Significance.